The following is an entry in ClinVar:

ClinVar aggregate classification (germline): Uncertain significance. Review status: criteria provided, multiple submitters, no conflicts (2 of 4 stars). 4 submissions from 4 submitters: Uncertain significance (4). Last evaluated 2025-12-30.

Conditions:
Cardiovascular phenotype. Identifiers: MedGen CN230736.
VCL-related disorder. Also called: VCL-related condition.
Dilated cardiomyopathy 1W (CMD1W). Identifiers: Orphanet 154, MedGen C1969639, MONDO:0012667, OMIM 611407.

Allele frequency attached by ClinVar (database versions not stated): gnomAD 0.00001; TOPMed 0.00001.
gnomAD v4.1: 37 of 1,614,022 alleles (0.0023%); highest among the groups gnomAD compares: Middle Eastern, 0.016%; no homozygotes.

Submissions (4):

PreventionGenetics, part of Exact Sciences
Classification: Uncertain significance for VCL-related condition. Last evaluated: 2025-12-30. Review status: criteria provided, single submitter. Criteria: ACMG Guidelines, 2015. Collection method: clinical testing. Allele origin: germline.
Comment: The VCL c.1627G>A variant is predicted to result in the amino acid substitution p.Ala543Thr. To our knowledge, this variant has not been reported in the literature. This variant is reported in 0.0065% of alleles in individuals of South Asian descent in gnomAD. At this time, the clinical significance of this variant is uncertain due to the absence of conclusive functional and genetic evidence.

Labcorp Genetics (formerly Invitae), Labcorp
Classification: Uncertain significance for Dilated cardiomyopathy 1W. Last evaluated: 2025-11-05. Review status: criteria provided, single submitter. Criteria: Invitae Variant Classification Sherloc (09022015). Collection method: clinical testing. Allele origin: germline.
Comment: This sequence change replaces alanine, which is neutral and non-polar, with threonine, which is neutral and polar, at codon 543 of the VCL protein (p.Ala543Thr). This variant is present in population databases (rs745748680, gnomAD 0.006%). This variant has not been reported in the literature in individuals affected with VCL-related conditions. ClinVar contains an entry for this variant (Variation ID: 1776725). An algorithm developed to predict the effect of missense changes on protein structure and function (PolyPhen-2) suggests that this variant is likely to be disruptive. In summary, the available evidence is currently insufficient to determine the role of this variant in disease. Therefore, it has been classified as a Variant of Uncertain Significance.

Dasa
Classification: Uncertain significance. Last evaluated: 2025-09-19. Review status: criteria provided, single submitter. Criteria: DASA Assertion Criteria. Collection method: clinical testing. Allele origin: germline.
Comment: NM_014000.3(VCL):c.1627G>A (p.Ala543Thr) is a missense variant that results in the substitution of alanine with threonine. This variant has been reported in individuals with VCL-related disorders. Also, this variant is rare in population databases. The currently available literature and clinical evidence are not sufficient to establish a definitive association between this variant and the reported condition. Therefore, this variant is classified as a variant of uncertain significance.

Ambry Genetics
Classification: Uncertain significance for Cardiovascular phenotype. Last evaluated: 2025-04-30. Review status: criteria provided, single submitter. Criteria: Ambry Variant Classification Scheme 2023. Collection method: clinical testing. Allele origin: germline.
Comment: The p.A543T variant (also known as c.1627G>A), located in coding exon 12 of the VCL gene, results from a G to A substitution at nucleotide position 1627. The alanine at codon 543 is replaced by threonine, an amino acid with similar properties. This amino acid position is conserved. In addition, the in silico prediction for this alteration is inconclusive. Since supporting evidence is limited at this time, the clinical significance of this alteration remains unclear.

NM_014000.3(VCL):c.1627G>A (p.Ala543Thr)

Gene: VCL (vinculin; plus strand). Cytogenetic location: 10q22.2.
Variant type: single nucleotide variant.
Coding change: c.1627G>A on transcript NM_014000.3 (MANE Select); coding-DNA position 1627, G replaced by A.
Protein change: p.Ala543Thr; replaces alanine 543 with threonine.
Molecular consequence: missense variant.
Genome position (GRCh38, 1-based): chr10:74,095,739, G>A. VCF-style: chr10-74095739-G-A. GRCh37 (hg19) VCF-style: chr10-75855497-G-A.
Other names: c.1627G>A, p.Ala543Thr (NM_003373.4); short protein forms A543T.
Identifiers: ClinVar variation 1776725 (VCV001776725.11), dbSNP rs745748680, ClinGen allele CA5563048.